The following is an entry in ClinVar:

ClinVar aggregate classification (germline): Uncertain significance (1 of 4 stars; one submission).

Conditions:
Chopra-Amiel-Gordon syndrome (CAGS). Also called: ANKRD17-Related Neurodevelopmental Syndrome. Identifiers: MedGen C5561975, MONDO:0859186, OMIM 619504.

Submission:

3billion
Classification: Uncertain significance for Chopra-Amiel-Gordon syndrome. Last evaluated: 2022-09-01. Review status: criteria provided, single submitter. Criteria: ACMG Guidelines, 2015. Collection method: clinical testing. Allele origin: germline. Affected: yes. Observed: 1 heterozygote.
Comment: The variant is not observed in the gnomAD v2.1.1 dataset. Missense changes are a common disease-causing mechanism. In silico tool predictions suggest no damaging effect of the variant on gene or gene product (REVEL: 0.13; 3Cnet: 0.01). Therefore, this variant is classified as uncertain significance according to the recommendation of ACMG/AMP guideline.

NM_032217.5(ANKRD17):c.4574A>G (p.Asp1525Gly)

Gene: ANKRD17 (ankyrin repeat domain 17; minus strand). Cytogenetic location: 4q13.3.
Variant type: single nucleotide variant.
Coding change: c.4574A>G on transcript NM_032217.5 (MANE Select); coding-DNA position 4574, A replaced by G.
Protein change: p.Asp1525Gly; replaces aspartic acid 1525 with glycine.
Molecular consequence: missense variant.
Genome position (GRCh38, 1-based): chr4:73,098,520, T>C on the plus strand (A>G on the coding strand, the complement: ANKRD17 is on the minus strand). VCF-style: chr4-73098520-T-C. GRCh37 (hg19) VCF-style: chr4-73964237-T-C.
Other names: c.4235A>G, p.Asp1412Gly (NM_001286771.3); c.4571A>G, p.Asp1524Gly (NM_015574.2); c.3821A>G, p.Asp1274Gly (NM_198889.3); short protein forms D1274G, D1412G, D1524G, D1525G.
Identifiers: ClinVar variation 1705401 (VCV001705401.1), dbSNP rs2530252468, ClinGen allele CA357204150.